The following is an entry in ClinVar:

ClinVar aggregate classification (germline): Conflicting classifications of pathogenicity. Review status: criteria provided, conflicting classifications (1 of 4 stars). 3 submissions from 3 submitters: Uncertain significance (2); Likely benign (1). Last evaluated 2025-04-03.

Conditions:
Developmental and epileptic encephalopathy, 18 (DEE18). Also called: Early infantile epileptic encephalopathy 18. Identifiers: Orphanet 369894, MedGen C3809624, MONDO:0014201, OMIM 615476.
Inborn genetic diseases. Identifiers: MedGen C0950123, MeSH D030342.

Allele frequency attached by ClinVar (database versions not stated): gnomAD 0.00002 and 0.00003; TOPMed 0.00004; 1000 Genomes Project 30x 0.00016; 1000 Genomes Project 0.00020.
gnomAD v4.1: 56 of 1,609,244 alleles (0.0035%); highest among the groups gnomAD compares: East Asian, 0.11%; no homozygotes.

Submissions (3):

Ambry Genetics
Classification: Likely benign for Inborn genetic diseases. Last evaluated: 2025-04-03. Review status: criteria provided, single submitter. Criteria: Ambry Variant Classification Scheme 2023. Collection method: clinical testing. Allele origin: germline.

Labcorp Genetics (formerly Invitae), Labcorp
Classification: Uncertain significance. Last evaluated: 2024-11-05. Review status: criteria provided, single submitter. Criteria: Invitae Variant Classification Sherloc (09022015). Collection method: clinical testing. Allele origin: germline.
Comment: This sequence change replaces threonine, which is neutral and polar, with alanine, which is neutral and non-polar, at codon 1584 of the SZT2 protein (p.Thr1584Ala). This variant is present in population databases (rs528738374, gnomAD 0.2%). This variant has not been reported in the literature in individuals affected with SZT2-related conditions. ClinVar contains an entry for this variant (Variation ID: 840357). Invitae Evidence Modeling of protein sequence and biophysical properties (such as structural, functional, and spatial information, amino acid conservation, physicochemical variation, residue mobility, and thermodynamic stability) indicates that this missense variant is not expected to disrupt SZT2 protein function with a negative predictive value of 80%. In summary, the available evidence is currently insufficient to determine the role of this variant in disease. Therefore, it has been classified as a Variant of Uncertain Significance.

Genome-Nilou Lab
Classification: Uncertain significance for Developmental and epileptic encephalopathy, 18. Last evaluated: 2023-04-11. Review status: criteria provided, single submitter. Criteria: ACMG Guidelines, 2015. Collection method: clinical testing. Allele origin: germline. Affected: no.

NM_001365999.1(SZT2):c.4921A>G (p.Thr1641Ala)

Gene: SZT2 (SZT2 subunit of KICSTOR complex; plus strand). Cytogenetic location: 1p34.2.
Variant type: single nucleotide variant.
Coding change: c.4921A>G on transcript NM_001365999.1 (MANE Select); coding-DNA position 4921, A replaced by G.
Protein change: p.Thr1641Ala; replaces threonine 1641 with alanine.
Molecular consequence: missense variant.
Genome position (GRCh38, 1-based): chr1:43,431,269, A>G. VCF-style: chr1-43431269-A-G. GRCh37 (hg19) VCF-style: chr1-43896940-A-G.
Other names: c.4750A>G, p.Thr1584Ala (NM_015284.4); short protein forms T1641A, T1584A.
Identifiers: ClinVar variation 840357 (VCV000840357.13), dbSNP rs528738374, ClinGen allele CA809418.